The following is an entry in ClinVar:

NM_018381.4(SHFL):c.243G>A (p.Ala81=)

Gene: SHFL (shiftless antiviral inhibitor of ribosomal frameshifting; plus strand). Cytogenetic location: 19p13.2.
Variant type: single nucleotide variant.
Coding change: c.243G>A on transcript NM_018381.4 (MANE Select); coding-DNA position 243, G replaced by A.
Protein change: p.Ala81=; no amino-acid change (alanine 81 retained).
Molecular consequence: synonymous variant.
Genome position (GRCh38, 1-based): chr19:10,089,906, G>A. VCF-style: chr19-10089906-G-A. GRCh37 (hg19) VCF-style: chr19-10200582-G-A.
Other names: c.243G>A, p.Ala81= (NM_001308277.2).
Identifiers: ClinVar variation 2649279 (VCV002649279.24), dbSNP rs763127299, ClinGen allele CA9184999.

ClinVar aggregate classification (germline): Likely benign (1 of 4 stars; one submission).

Allele frequency attached by ClinVar (database versions not stated): ExAC 0.00001; TOPMed 0.00002; gnomAD 0.00003.
gnomAD v4.1: 25 of 1,611,006 alleles (0.0016%); highest among the groups gnomAD compares: Middle Eastern, 0.016%; no homozygotes.

Submission:

CeGaT Center for Human Genetics Tuebingen
Classification: Likely benign. Last evaluated: 2022-10-01. Review status: criteria provided, single submitter. Criteria: CeGaT Center For Human Genetics Tuebingen Variant Classification Criteria Version 2. Collection method: clinical testing. Allele origin: germline. Affected: yes. Observed: 1 variant allele.
Comment: SHFL: BP4, BP7